The following is an entry in ClinVar:

ClinVar aggregate classification (germline): Pathogenic (1 of 4 stars; one submission).

Conditions:
Hereditary cancer-predisposing syndrome. Also called: Tumor predisposition; Hereditary neoplastic syndrome; Hereditary Cancer Syndrome; Neoplastic Syndromes, Hereditary. Identifiers: Orphanet 140162, MedGen C0027672, MeSH D009386, MONDO:0015356.

gnomAD v4.1: 1 of 1,613,658 alleles (0.000062%); highest among the groups gnomAD compares: Non-Finnish European, 0.000085%; no homozygotes.

Submission:

Ambry Genetics
Classification: Pathogenic for Hereditary cancer-predisposing syndrome. Last evaluated: 2025-04-21. Review status: criteria provided, single submitter. Criteria: Ambry Variant Classification Scheme 2023. Collection method: clinical testing. Allele origin: germline.
Comment: The p.Y124* pathogenic mutation (also known as c.372C>A), located in coding exon 4 of the SDHA gene, results from a C to A substitution at nucleotide position 372. This changes the amino acid from a tyrosine to a stop codon within coding exon 4. This variant is considered to be rare based on population cohorts in the Genome Aggregation Database (gnomAD). This alteration is expected to result in loss of function by premature protein truncation or nonsense-mediated mRNA decay. As such, this alteration is interpreted as a disease-causing mutation.

NM_004168.4(SDHA):c.372C>A (p.Tyr124Ter)

Gene: SDHA (succinate dehydrogenase complex flavoprotein subunit A; plus strand). Cytogenetic location: 5p15.33.
Variant type: single nucleotide variant.
Coding change: c.372C>A on transcript NM_004168.4 (MANE Select); coding-DNA position 372, C replaced by A.
Protein change: p.Tyr124Ter; replaces tyrosine 124 with a stop codon.
Molecular consequence: nonsense. On other transcripts: intron variant (1).
Genome position (GRCh38, 1-based): chr5:225,478, C>A. VCF-style: chr5-225478-C-A. GRCh37 (hg19) VCF-style: chr5-225593-C-A.
Other names: c.372C>A, p.Tyr124Ter (NM_001330758.2); c.313-405C>A (NM_001294332.2); short protein forms Y124*.
Identifiers: ClinVar variation 3951341 (VCV003951341.1).
Genomic context (GRCh38, chr5:225,478, plus strand): 5'-GGGAGGAATCAATGCTGCTCTGGGGAACATGGAGGAGGACAACTGGAGGTGGCATTTCTA[C>A]GACACCGTGAAGGGCTCCGACTGGCTGGGGGACCAGGATGCCATCCACTACATGACGGAG-3'